The following is an entry in ClinVar:

ClinVar aggregate classification (germline): Uncertain significance (1 of 4 stars; one submission).

Conditions:
Glycogen storage disease, type V (GSD5). Also called: McArdle type glycogen storage disease; MCARDLE DISEASE; MUSCLE GLYCOGEN PHOSPHORYLASE DEFICIENCY; MYOPHOSPHORYLASE DEFICIENCY; PYGM DEFICIENCY. Identifiers: Orphanet 368, MedGen C0017924, MONDO:0009293, OMIM 232600.

Allele frequency attached by ClinVar (database versions not stated): gnomAD exomes below 0.00001; TOPMed below 0.00001; ExAC 0.00001.
gnomAD v4.1: 1 of 1,614,148 alleles (0.000062%); highest among the groups gnomAD compares: Admixed American, 0.0017%; no homozygotes.

Submission:

Labcorp Genetics (formerly Invitae), Labcorp
Classification: Uncertain significance for Glycogen storage disease, type V. Last evaluated: 2022-08-22. Review status: criteria provided, single submitter. Criteria: Invitae Variant Classification Sherloc (09022015). Collection method: clinical testing. Allele origin: germline.
Comment: This sequence change replaces alanine, which is neutral and non-polar, with valine, which is neutral and non-polar, at codon 611 of the PYGM protein (p.Ala611Val). This variant is present in population databases (rs769869077, gnomAD 0.007%). This variant has not been reported in the literature in individuals affected with PYGM-related conditions. Algorithms developed to predict the effect of missense changes on protein structure and function are either unavailable or do not agree on the potential impact of this missense change (SIFT: "Not Available"; PolyPhen-2: "Probably Damaging"; Align-GVGD: "Not Available"). In summary, the available evidence is currently insufficient to determine the role of this variant in disease. Therefore, it has been classified as a Variant of Uncertain Significance.

NM_005609.4(PYGM):c.1832C>T (p.Ala611Val)

Gene: PYGM (glycogen phosphorylase, muscle associated; minus strand). Cytogenetic location: 11q13.1.
Variant type: single nucleotide variant.
Coding change: c.1832C>T on transcript NM_005609.4 (MANE Select); coding-DNA position 1832, C replaced by T.
Protein change: p.Ala611Val; replaces alanine 611 with valine.
Molecular consequence: missense variant.
Genome position (GRCh38, 1-based): chr11:64,751,462, G>A on the plus strand (C>T on the coding strand, the complement: PYGM is on the minus strand). VCF-style: chr11-64751462-G-A. GRCh37 (hg19) VCF-style: chr11-64518934-G-A.
Other names: c.1568C>T, p.Ala523Val (NM_001164716.1); short protein forms A611V, A523V.
Identifiers: ClinVar variation 1931125 (VCV001931125.2), dbSNP rs769869077, ClinGen allele CA6079697.